The following is an entry in ClinVar:

ClinVar aggregate classification (germline): Pathogenic/Likely pathogenic. Review status: criteria provided, multiple submitters, no conflicts (2 of 4 stars). 5 submissions from 5 submitters: Pathogenic (3); Likely pathogenic (2). Last evaluated 2024-11-01.

Conditions:
Chuvash polycythemia. Also called: POLYCYTHEMIA, VHL-DEPENDENT. Identifiers: Orphanet 238557, MedGen C1837915, MONDO:0009892, OMIM 263400.
Nonpapillary renal cell carcinoma. Identifiers: Orphanet 422526, MedGen CN074294, MONDO:0007763, OMIM 144700.
Pheochromocytoma. Also called: MAX-Related Hereditary Paraganglioma-Pheochromocytoma Syndrome. Identifiers: Orphanet 29072, MedGen C0031511, MONDO:0008233, OMIM 171300, HP:0002666.
Von Hippel-Lindau syndrome (VHLS). Also called: Von Hippel-Lindau; von Hippel–Lindau syndrome; VHL syndrome. Identifiers: Orphanet 892, MedGen C0019562, MONDO:0008667, OMIM 193300. Disease mechanism: loss of function.
Hereditary cancer-predisposing syndrome. Also called: Hereditary Cancer Syndrome; Tumor predisposition; Hereditary neoplastic syndrome; Neoplastic Syndromes, Hereditary. Identifiers: Orphanet 140162, MedGen C0027672, MeSH D009386, MONDO:0015356.

Submissions (5):

CeGaT Center for Human Genetics Tuebingen
Classification: Likely pathogenic. Last evaluated: 2024-11-01. Review status: criteria provided, single submitter. Criteria: CeGaT Center For Human Genetics Tuebingen Variant Classification Criteria Version 2. Collection method: clinical testing. Allele origin: germline. Affected: yes. Observed: 1 variant allele.
Comment: VHL: PVS1:Strong, PM2, PS4:Supporting

Fulgent Genetics
Classification: Likely pathogenic for Nonpapillary renal cell carcinoma; Pheochromocytoma; Von Hippel-Lindau syndrome; Chuvash polycythemia. Last evaluated: 2024-02-16. Review status: criteria provided, single submitter. Criteria: ACMG Guidelines, 2015. Collection method: clinical testing. Allele origin: germline.

Labcorp Genetics (formerly Invitae), Labcorp
Classification: Pathogenic for Von Hippel-Lindau syndrome; Chuvash polycythemia. Last evaluated: 2023-03-26. Review status: criteria provided, single submitter. Criteria: Invitae Variant Classification Sherloc (09022015). Collection method: clinical testing. Allele origin: germline.
Comment: This sequence change results in a frameshift in the VHL gene (p.Leu178Argfs*77). While this is not anticipated to result in nonsense mediated decay, it is expected to disrupt the last 36 amino acid(s) of the VHL protein and extend the protein by 40 additional amino acid residues. This variant is not present in population databases (gnomAD no frequency). This variant has not been reported in the literature in individuals affected with VHL-related conditions. ClinVar contains an entry for this variant (Variation ID: 625259). This variant disrupts a region of the VHL protein in which other variant(s) (p.Ser183*) have been determined to be pathogenic (PMID: 7563486, 7987306, 8707293, 8772572, 10567493, 11309459, 11331612, 16452184, 18567581, 23772956; Invitae). This suggests that this is a clinically significant region of the protein, and that variants that disrupt it are likely to be disease-causing. For these reasons, this variant has been classified as Pathogenic.

Ambry Genetics
Classification: Pathogenic for Hereditary cancer-predisposing syndrome. Last evaluated: 2022-05-09. Review status: criteria provided, single submitter. Criteria: Ambry Variant Classification Scheme 2023. Collection method: clinical testing. Allele origin: germline.
Comment: The c.533_534delTG pathogenic mutation, located in coding exon 3 of the VHL gene, results from a deletion of two nucleotides at nucleotide positions 533 to 534, causing a translational frameshift with a predicted alternate stop codon (p.L178Rfs*77). This alteration occurs at the 3' terminus of theVHL gene, is not expected to trigger nonsense-mediated mRNAdecay and results in the elongation of the protein by 40 amino acids. This frameshift impacts the last 36amino acids of the native protein. However, frameshifts are typically deleterious in nature and the impacted region is critical for protein function (Ambry internal data). This alteration has been observed in at least one individual with a personal and/or family history that is consistent with VHL-related disease (Ambry internal data). This variant is considered to be rare based on population cohorts in the Genome Aggregation Database (gnomAD). Based on the supporting evidence, this alteration is interpreted as a disease-causing mutation.

Genomic Diagnostic Laboratory, Division of Genomic Diagnostics, Children's Hospital of Philadelphia
Classification: Pathogenic for von Hippel-Lindau syndrome. Last evaluated: 2018-08-01. Review status: criteria provided, single submitter. Criteria: DGD Variant Analysis Guidelines. Collection method: clinical testing. Allele origin: germline. Affected: yes. Observed: 3 variant alleles.

Literature cited by the submitters: PubMed 7563486 (cited by Labcorp Genetics (formerly Invitae), Labcorp); PubMed 7987306 (cited by Labcorp Genetics (formerly Invitae), Labcorp); PubMed 8707293 (cited by Labcorp Genetics (formerly Invitae), Labcorp); PubMed 8772572 (cited by Labcorp Genetics (formerly Invitae), Labcorp); PubMed 10567493 (cited by Labcorp Genetics (formerly Invitae), Labcorp); PubMed 11309459 (cited by Labcorp Genetics (formerly Invitae), Labcorp); PubMed 11331612 (cited by Labcorp Genetics (formerly Invitae), Labcorp); PubMed 16452184 (cited by Labcorp Genetics (formerly Invitae), Labcorp); PubMed 18567581 (cited by Labcorp Genetics (formerly Invitae), Labcorp); PubMed 23772956 (cited by Labcorp Genetics (formerly Invitae), Labcorp).

NM_000551.4(VHL):c.533_534del (p.Leu178fs)

Genes: VHL (von Hippel-Lindau tumor suppressor; plus strand), LOC107303340 (3p25 von Hippel-Lindau tumor suppressor, E3 ubiquitin protein ligase Alu-mediated recombination region; plus strand). Cytogenetic location: 3p25.3.
Variant type: Deletion.
Coding change: c.533_534del on transcript NM_000551.4 (MANE Select); coding-DNA positions 533 to 534, 2 bases deleted (TG; older notation c.533_534delTG).
Protein change: p.Leu178fs; shifts the reading frame from leucine 178.
Molecular consequence: frameshift variant. On other transcripts: 3 prime UTR variant (1).
Genome position (GRCh38, 1-based): chr3:10,149,856-10,149,857, TG deleted. VCF-style (leftmost placement, unchanged base first): chr3-10149855-CTG-C. GRCh37 (hg19) VCF-style: chr3-10191539-CTG-C.
Other names: c.*87_*88del (NM_001354723.2); c.410_411del, p.Leu137fs (NM_198156.3); c.533_534delTG (NM_000551.3); c.533_534del (NM_000551.3); short protein forms L137fs, L178fs.
Identifiers: ClinVar variation 625259 (VCV000625259.23), dbSNP rs1559429736, ClinGen allele CA645509027.
Genomic context (GRCh38, chr3:10,149,855, plus strand): 5'-CTGAAAGAGCGATGCCTCCAGGTTGTCCGGAGCCTAGTCAAGCCTGAGAATTACAGGAGA[CTG>C]GACATCGTCAGGTCGCTCTACGAAGATCTGGAAGACCACCCAAATGTGCAGAAAGACCTG-3'